The following is an entry in ClinVar:

NM_000094.4(COL7A1):c.1639G>T (p.Val547Phe)

Gene: COL7A1 (collagen type VII alpha 1 chain; minus strand). Cytogenetic location: 3p21.31.
Variant type: single nucleotide variant.
Coding change: c.1639G>T on transcript NM_000094.4 (MANE Select); coding-DNA position 1639, G replaced by T.
Protein change: p.Val547Phe; replaces valine 547 with phenylalanine.
Molecular consequence: missense variant.
Genome position (GRCh38, 1-based): chr3:48,590,814, C>A on the plus strand (G>T on the coding strand, the complement: COL7A1 is on the minus strand). VCF-style: chr3-48590814-C-A. GRCh37 (hg19) VCF-style: chr3-48628247-C-A.
Other names: short protein forms V547F.
Identifiers: ClinVar variation 3718510 (VCV003718510.2).

ClinVar aggregate classification (germline): Uncertain significance. Review status: criteria provided, multiple submitters, no conflicts (2 of 4 stars). 2 submissions from 2 submitters: Uncertain significance (2). Last evaluated 2026-07-31.

Conditions:
COL7A1-related disorder. Also called: COL7A1-related condition; COL7A1- related disorders.

gnomAD v4.1: 1 of 1,613,314 alleles (0.000062%); no homozygotes.

Submissions (2):

PreventionGenetics, part of Exact Sciences
Classification: Uncertain significance for COL7A1-related condition. Last evaluated: 2026-07-31. Review status: criteria provided, single submitter. Criteria: ACMG Guidelines, 2015. Collection method: clinical testing. Allele origin: germline.
Comment: The COL7A1 c.1639G>T variant is predicted to result in the amino acid substitution p.Val547Phe. To our knowledge, this variant has not been reported in the literature. This variant is reported in 0.0047% of alleles in individuals of European (Finnish) descent in gnomAD. At this time, the clinical significance of this variant is uncertain due to the absence of conclusive functional and genetic evidence.

Labcorp Genetics (formerly Invitae), Labcorp
Classification: Uncertain significance. Last evaluated: 2024-12-24. Review status: criteria provided, single submitter. Criteria: Invitae Variant Classification Sherloc (09022015). Collection method: clinical testing. Allele origin: germline.
Comment: This sequence change replaces valine, which is neutral and non-polar, with phenylalanine, which is neutral and non-polar, at codon 547 of the COL7A1 protein (p.Val547Phe). This variant is present in population databases (rs755848206, gnomAD 0.005%). This variant has not been reported in the literature in individuals affected with COL7A1-related conditions. Experimental studies and prediction algorithms are not available or were not evaluated, and the functional significance of this variant is currently unknown. In summary, the available evidence is currently insufficient to determine the role of this variant in disease. Therefore, it has been classified as a Variant of Uncertain Significance.